The following is an entry in ClinVar:

NM_000478.6(ALPL):c.1005A>T (p.Arg335Ser)

Gene: ALPL (alkaline phosphatase, biomineralization associated; plus strand). Cytogenetic location: 1p36.12.
Variant type: single nucleotide variant.
Coding change: c.1005A>T on transcript NM_000478.6 (MANE Select); coding-DNA position 1005, A replaced by T.
Protein change: p.Arg335Ser; replaces arginine 335 with serine.
Molecular consequence: missense variant.
Genome position (GRCh38, 1-based): chr1:21,575,740, A>T. VCF-style: chr1-21575740-A-T. GRCh37 (hg19) VCF-style: chr1-21902233-A-T.
Other names: c.840A>T, p.Arg280Ser (NM_001127501.4); c.774A>T, p.Arg258Ser (NM_001177520.3); c.1005A>T, p.Arg335Ser (NM_001369803.2, NM_001369804.2, NM_001369805.2); short protein forms R258S, R280S, R335S.
Identifiers: ClinVar variation 3768322 (VCV003768322.1).

ClinVar aggregate classification (germline): Uncertain significance (1 of 4 stars; one submission).

Submission:

Women's Health and Genetics/Laboratory Corporation of America, LabCorp
Classification: Uncertain significance. Last evaluated: 2024-12-03. Review status: criteria provided, single submitter. Criteria: LabCorp Variant Classification Summary - May 2015. Collection method: clinical testing. Allele origin: germline.
Comment: Variant summary: ALPL c.1005A>T (p.Arg335Ser) results in a non-conservative amino acid change located in the alkaline phosphatase domain (IPR001952) of the encoded protein sequence. Five of five in-silico tools predict a damaging effect of the variant on protein function. The variant was absent in 251070 control chromosomes. The available data on variant occurrences in the general population are insufficient to allow any conclusion about variant significance. To our knowledge, no occurrence of c.1005A>T in individuals affected with ALPL-related conditions and no experimental evidence demonstrating its impact on protein function have been reported. No submitters have cited clinical-significance assessments for this variant to ClinVar. Based on the evidence outlined above, the variant was classified as uncertain significance.